The following is an entry in ClinVar:

ClinVar aggregate classification (germline): Uncertain significance (1 of 4 stars; one submission).

Conditions:
Muscular dystrophy, limb-girdle, autosomal recessive 23. Identifiers: Orphanet 565837, MedGen C4748327, MONDO:0029136, OMIM 618138.

Submission:

3billion
Classification: Uncertain significance for Muscular dystrophy, limb-girdle, autosomal recessive 23. Last evaluated: 2023-09-12. Review status: criteria provided, single submitter. Criteria: ACMG Guidelines, 2015. Collection method: clinical testing. Allele origin: germline. Affected: yes.
Comment: The variant is not observed in the gnomAD v2.1.1 dataset. Predicted Consequence/Location: Protein truncation variants are a common disease-causing mechanism. In silico tool predictions suggest damaging effect of the variant on gene or gene product [REVEL: 0.81 (>=0.6, sensitivity 0.68 and specificity 0.92)]. Therefore, this variant is classified as VUS according to the recommendation of ACMG/AMP guideline.

NM_000426.4(LAMA2):c.364C>T (p.His122Tyr)

Gene: LAMA2 (laminin subunit alpha 2; plus strand). Cytogenetic location: 6q22.33.
Variant type: single nucleotide variant.
Coding change: c.364C>T on transcript NM_000426.4 (MANE Select); coding-DNA position 364, C replaced by T.
Protein change: p.His122Tyr; replaces histidine 122 with tyrosine.
Molecular consequence: missense variant.
Genome position (GRCh38, 1-based): chr6:129,059,864, C>T. VCF-style: chr6-129059864-C-T. GRCh37 (hg19) VCF-style: chr6-129381009-C-T.
Other names: c.364C>T, p.His122Tyr (NM_001079823.2); short protein forms H122Y.
Identifiers: ClinVar variation 3775551 (VCV003775551.1).